The following is an entry in ClinVar:

NM_000135.4(FANCA):c.100A>T (p.Lys34Ter)

Gene: FANCA (FA complementation group A; minus strand). Cytogenetic location: 16q24.3.
Variant type: single nucleotide variant.
Coding change: c.100A>T on transcript NM_000135.4 (MANE Select); coding-DNA position 100, A replaced by T.
Protein change: p.Lys34Ter; replaces lysine 34 with a stop codon.
Molecular consequence: nonsense.
Genome position (GRCh38, 1-based): chr16:89,815,966, T>A on the plus strand (A>T on the coding strand, the complement: FANCA is on the minus strand). VCF-style: chr16-89815966-T-A. GRCh37 (hg19) VCF-style: chr16-89882374-T-A.
Other names: c.100A>T (LRG_495t1); c.100A>T, p.Lys34Ter (NM_001018112.3, NM_001286167.3, NM_001351830.2); short protein forms K34*.
Identifiers: ClinVar variation 553243 (VCV000553243.16), dbSNP rs772858764, ClinGen allele CA8253174.
Genomic context (GRCh38, chr16:89,815,966, plus strand): 5'-GGCTTCGCAGGAGGCGCACAGCTGATTCCTTTAATTTCTGTGCCCTTTCAGGATTATATT[T>A]TTCCCTCTTGACCCTTCCCGCTACGGAGAGAAGTCGGTTCGAAACCATCACAGCACAATT-3'

ClinVar aggregate classification (germline): Pathogenic. Review status: criteria provided, multiple submitters, no conflicts (2 of 4 stars). 5 submissions from 5 submitters: Pathogenic (3). 2 of the submissions do not count toward it. Last evaluated 2024-06-21.

Conditions:
Fanconi anemia complementation group A (FANCA). Also called: Fanconi anemia, group A; FANCA-Related Fanconi Anemia. Identifiers: Orphanet 84, MedGen C3469521, MONDO:0009215, OMIM 227650.
Fanconi anemia (FA). Also called: Fanconi's anemia. Identifiers: Orphanet 84, MedGen C0015625, MeSH D005199, MONDO:0019391.

Allele frequency attached by ClinVar (database versions not stated): gnomAD 0.00001; gnomAD exomes 0.00002 and 0.00006; TOPMed 0.00002; ExAC 0.00011.
gnomAD v4.1: 37 of 1,613,846 alleles (0.0023%); highest among the groups gnomAD compares: Non-Finnish European, 0.0025%; no homozygotes.

Submissions (5):

Labcorp Genetics (formerly Invitae), Labcorp
Classification: Pathogenic for Fanconi anemia. Last evaluated: 2024-06-21. Review status: criteria provided, single submitter. Criteria: Invitae Variant Classification Sherloc (09022015). Collection method: clinical testing. Allele origin: germline.
Comment: This sequence change creates a premature translational stop signal (p.Lys34*) in the FANCA gene. It is expected to result in an absent or disrupted protein product. Loss-of-function variants in FANCA are known to be pathogenic (PMID: 19367192). This variant is present in population databases (rs772858764, gnomAD 0.01%). This premature translational stop signal has been observed in individual(s) with Fanconi anemia (PMID: 15643609, 22778927). ClinVar contains an entry for this variant (Variation ID: 553243). For these reasons, this variant has been classified as Pathogenic.

Baylor Genetics
Classification: Pathogenic for Fanconi anemia complementation group A. Last evaluated: 2024-03-21. Review status: criteria provided, single submitter. Criteria: ACMG Guidelines, 2015. Collection method: clinical testing. Allele origin: unknown.

Fulgent Genetics
Classification: Pathogenic for Fanconi anemia complementation group A. Last evaluated: 2022-04-18. Review status: criteria provided, single submitter. Criteria: ACMG Guidelines, 2015. Collection method: clinical testing. Allele origin: unknown.

Leiden Open Variation Database
Classification: Pathogenic for Fanconi anemia complementation group A. Last evaluated: 2020-02-28. Review status: no assertion criteria provided. Collection method: curation. Allele origin: germline. Affected: yes. Not counted in ClinVar's aggregate classification.
Comment: Curator: Arleen D. Auerbach. Submitters to LOVD: Arleen D. Auerbach, Johan de Winter.

Counsyl
Classification: Pathogenic for Fanconi anemia complementation group A. Last evaluated: 2017-08-08. Review status: no assertion criteria provided. Collection method: clinical testing. Allele origin: unknown. Not counted in ClinVar's aggregate classification.

Literature cited by the submitters: PubMed 19367192 (cited by Labcorp Genetics (formerly Invitae), Labcorp); PubMed 15643609 (cited by Labcorp Genetics (formerly Invitae), Labcorp); PubMed 22778927 (cited by 3 submitters); PubMed 17924555 (cited by Leiden Open Variation Database).